The following is an entry in ClinVar:

NM_152594.3(SPRED1):c.10G>A (p.Glu4Lys)

Gene: SPRED1 (sprouty related EVH1 domain containing 1; plus strand). Cytogenetic location: 15q14.
Variant type: single nucleotide variant.
Coding change: c.10G>A on transcript NM_152594.3 (MANE Select); coding-DNA position 10, G replaced by A.
Protein change: p.Glu4Lys; replaces glutamic acid 4 with lysine.
Molecular consequence: missense variant.
Genome position (GRCh38, 1-based): chr15:38,253,195, G>A. VCF-style: chr15-38253195-G-A. GRCh37 (hg19) VCF-style: chr15-38545396-G-A.
Other names: short protein forms E4K.
Identifiers: ClinVar variation 4754858 (VCV004754858.1).

ClinVar aggregate classification (germline): Uncertain significance (1 of 4 stars; one submission).

Conditions:
Legius syndrome. Identifiers: Orphanet 137605, MedGen C1969623, MONDO:0012669, OMIM 611431. Disease mechanism: loss of function.

gnomAD v4.1: 5 of 1,581,166 alleles (0.00032%); highest among the groups gnomAD compares: South Asian, 0.0012%; no homozygotes.

Submission:

Labcorp Genetics (formerly Invitae), Labcorp
Classification: Uncertain significance for Legius syndrome. Last evaluated: 2025-04-20. Review status: criteria provided, single submitter. Criteria: Invitae Variant Classification Sherloc (09022015). Collection method: clinical testing. Allele origin: germline.
Comment: This sequence change replaces glutamic acid, which is acidic and polar, with lysine, which is basic and polar, at codon 4 of the SPRED1 protein (p.Glu4Lys). This variant is not present in population databases (gnomAD no frequency). This variant has not been reported in the literature in individuals affected with SPRED1-related conditions. An algorithm developed to predict the effect of missense changes on protein structure and function (PolyPhen-2) suggests that this variant is likely to be tolerated. In summary, the available evidence is currently insufficient to determine the role of this variant in disease. Therefore, it has been classified as a Variant of Uncertain Significance.